The following is an entry in ClinVar:

ClinVar aggregate classification (germline): Uncertain significance (1 of 4 stars; one submission).

Conditions:
Infantile nephronophthisis (NPHP2). Also called: Nephronophthisis 2, infantile; Nephronophthisis 2. Identifiers: Orphanet 655, Orphanet 93591, MedGen C1865872, MONDO:0011190, OMIM 602088.

gnomAD v4.1: 1 of 1,613,364 alleles (0.000062%); highest among the groups gnomAD compares: Non-Finnish European, 0.000085%; no homozygotes.

Submission:

OLLIN Analises Genomicas, OLLIN
Classification: Uncertain significance for Infantile nephronophthisis. Last evaluated: 2026-08-06. Review status: criteria provided, single submitter. Criteria: ACMG Guidelines 2015 PMID 25741868. Collection method: clinical testing. Allele origin: germline.
Comment: This variant, has been observed in gnomAD with an allele frequency of 0.000062%, but has not been reported in ClinVar or identified in the literature. Another pathogenic variant has been reported to result in the same amino acid substitution. According to the currently available evidence, this variant has been classified as uncertain significance (PS1_M, PM2_P, PP3).

NM_014425.5(INVS):c.1078+4A>G

Gene: INVS (inversin; plus strand). Cytogenetic location: 9q31.1.
Variant type: single nucleotide variant.
Coding change: c.1078+4A>G on transcript NM_014425.5 (MANE Select); 4 bases into the intron after coding-DNA position 1078, A replaced by G.
Molecular consequence: intron variant.
Genome position (GRCh38, 1-based): chr9:100,246,791, A>G. VCF-style: chr9-100246791-A-G. GRCh37 (hg19) VCF-style: chr9-103009073-A-G.
Other names: c.790+4A>G (NM_001318381.2); c.100+4A>G (NM_001318382.2).
Identifiers: ClinVar variation 5003022 (VCV005003022.1).